The following is an entry in ClinVar:

ClinVar aggregate classification (germline): Likely benign. Review status: criteria provided, multiple submitters, no conflicts (2 of 4 stars). 3 submissions from 3 submitters: Likely benign (3). Last evaluated 2025-04-29.

Conditions:
Long QT syndrome (LQTS). Identifiers: MedGen C0023976, MeSH D008133, MONDO:0002442. Disease mechanism: loss of function. Inheritance: Various modes of inheritance.
Cardiovascular phenotype. Identifiers: MedGen CN230736.

Submissions (3):

Labcorp Genetics (formerly Invitae), Labcorp
Classification: Likely benign for Long QT syndrome. Last evaluated: 2025-04-29. Review status: criteria provided, single submitter. Criteria: Invitae Variant Classification Sherloc (09022015). Collection method: clinical testing. Allele origin: germline.

Ambry Genetics
Classification: Likely benign for Cardiovascular phenotype. Last evaluated: 2019-09-28. Review status: criteria provided, single submitter. Criteria: Ambry Variant Classification Scheme 2023. Collection method: clinical testing. Allele origin: germline.

GeneDx
Classification: Likely benign. Last evaluated: 2016-09-14. Review status: criteria provided, single submitter. Criteria: GeneDx Variant Classification (06012015). Collection method: clinical testing. Allele origin: germline. Affected: yes.
Comment: This variant is considered likely benign or benign based on one or more of the following criteria: it is a conservative change, it occurs at a poorly conserved position in the protein, it is predicted to be benign by multiple in silico algorithms, and/or has population frequency not consistent with disease.

NM_000238.4(KCNH2):c.598C>T (p.Leu200=)

Gene: KCNH2 (potassium voltage-gated channel subfamily H member 2; minus strand). Cytogenetic location: 7q36.1.
Variant type: single nucleotide variant.
Coding change: c.598C>T on transcript NM_000238.4 (MANE Select); coding-DNA position 598, C replaced by T.
Protein change: p.Leu200=; no amino-acid change (leucine 200 retained).
Molecular consequence: synonymous variant. On other transcripts: non-coding transcript variant (1).
Genome position (GRCh38, 1-based): chr7:150,958,377, G>A on the plus strand (C>T on the coding strand, the complement: KCNH2 is on the minus strand). VCF-style: chr7-150958377-G-A. GRCh37 (hg19) VCF-style: chr7-150655465-G-A.
Other names: c.310C>T, p.Leu104= (NM_001406753.1, NM_001406756.1); c.421C>T, p.Leu141= (NM_001406755.1); c.298C>T, p.Leu100= (NM_001406757.1); c.598C>T, p.Leu200= (NM_172056.3).
Identifiers: ClinVar variation 389332 (VCV000389332.12), dbSNP rs1057523402, ClinGen allele CA16605175.